The following is an entry in ClinVar:

ClinVar aggregate classification (germline): Pathogenic. Review status: criteria provided, single submitter (1 of 4 stars). 3 submissions from 3 submitters: Pathogenic (1). 2 of the submissions do not count toward it. Last evaluated 2022-12-25.

Conditions:
Jeune thoracic dystrophy. Also called: Short-rib thoracic dysplasia; Jeune syndrome; Infantile thoracic dystrophy; Thoracic pelvic phalangeal dystrophy; Jeune's syndrome; Chondroectodermal dysplasia-like syndrome. Identifiers: Orphanet 474, MedGen C0265275, MONDO:0018770.
Curry-Hall syndrome (WAD). Also called: WEYERS ACRODENTAL DYSOSTOSIS. Identifiers: Orphanet 952, MedGen C0457013, MONDO:0008673, OMIM 193530.
Ellis-van Creveld syndrome (EVC). Also called: Chondroectodermal dysplasia; MESOECTODERMAL DYSPLASIA; EVC-Related Ellis-van Creveld Syndrome; EVC2-Related Ellis-van Creveld Syndrome. Identifiers: Orphanet 289, MedGen C0013903, MONDO:0009162, OMIM 225500.

Allele frequency attached by ClinVar (database versions not stated): TOPMed below 0.00001; gnomAD 0.00001; gnomAD exomes 0.00001.

Submissions (3):

Labcorp Genetics (formerly Invitae), Labcorp
Classification: Pathogenic for Curry-Hall syndrome; Ellis-van Creveld syndrome. Last evaluated: 2022-12-25. Review status: criteria provided, single submitter. Criteria: Invitae Variant Classification Sherloc (09022015). Collection method: clinical testing. Allele origin: germline.
Comment: For these reasons, this variant has been classified as Pathogenic. ClinVar contains an entry for this variant (Variation ID: 446665). This premature translational stop signal has been observed in individual(s) with asphyxiating thoracic dystrophy (PMID: 29068549). This variant is not present in population databases (gnomAD no frequency). This sequence change creates a premature translational stop signal (p.Asn572Glufs*12) in the EVC2 gene. It is expected to result in an absent or disrupted protein product. Loss-of-function variants in EVC2 are known to be pathogenic (PMID: 17024374, 19810119, 19876929).

Dan Cohn Lab, University Of California Los Angeles
Classification: Pathogenic for Asphyxiating thoracic dystrophy. Last evaluated: 2017-06-01. Review status: no assertion criteria provided. Collection method: research. Allele origin: unknown. Affected: yes. Not counted in ClinVar's aggregate classification.

University of Washington Center for Mendelian Genomics, University of Washington
Classification: Likely pathogenic for asphyxiating thoracic dystrophy. Review status: no assertion criteria provided. Collection method: research. Allele origin: inherited. Affected: yes. Not counted in ClinVar's aggregate classification.

Literature cited by the submitters: PubMed 29068549 (cited by 3 submitters); PubMed 17024374 (cited by Labcorp Genetics (formerly Invitae), Labcorp); PubMed 19810119 (cited by Labcorp Genetics (formerly Invitae), Labcorp); PubMed 19876929 (cited by Labcorp Genetics (formerly Invitae), Labcorp).

NM_147127.5(EVC2):c.1713dup (p.Asn572fs)

Gene: EVC2 (EvC ciliary complex subunit 2; minus strand). Cytogenetic location: 4p16.2.
Variant type: Duplication.
Coding change: c.1713dup on transcript NM_147127.5 (MANE Select); coding-DNA position 1713, one base duplicated (G; older notation c.1713dupG).
Protein change: p.Asn572fs; shifts the reading frame from asparagine 572.
Molecular consequence: frameshift variant.
Genome position (GRCh38, 1-based): chr4:5,628,732, C duplicated on the plus strand (G on the coding strand, the reverse complement: EVC2 is on the minus strand). VCF-style (leftmost placement, unchanged base first): chr4-5628731-T-TC. GRCh37 (hg19) VCF-style: chr4-5630458-T-TC.
Other names: c.1473dup, p.Asn492fs (NM_001166136.2); c.1713dupG (NM_147127.4); short protein forms N572fs, N492fs.
Identifiers: ClinVar variation 446665 (VCV000446665.5), dbSNP rs1553836165, ClinGen allele CA658657372.